The following is an entry in ClinVar:

NM_020812.4(DOCK6):c.378-2A>G

Gene: DOCK6 (dedicator of cytokinesis 6; minus strand). Cytogenetic location: 19p13.2.
Variant type: single nucleotide variant.
Coding change: c.378-2A>G on transcript NM_020812.4 (MANE Select); the canonical splice acceptor site of the intron before coding-DNA position 378, A replaced by G.
Molecular consequence: splice acceptor variant.
Genome position (GRCh38, 1-based): chr19:11,252,250, T>C on the plus strand (A>G on the coding strand, the complement: DOCK6 is on the minus strand). VCF-style: chr19-11252250-T-C. GRCh37 (hg19) VCF-style: chr19-11362926-T-C.
Other names: c.378-2A>G (NM_001367830.1).
Identifiers: ClinVar variation 4533238 (VCV004533238.1).
Genomic context (GRCh38, chr19:11,252,250, plus strand): 5'-GTCGCTCCCGCTGTGTGTCTGTGGTGACGGGGCTGTATGCTGCACTCAGGTACTGATACC[T>C]AGCAGGAAACGGGGCTGGGCAGGTAGGGAGGGCTGAGGGCCCCCAGGGGGTCCCCAGTGT-3'

ClinVar aggregate classification (germline): Likely pathogenic (1 of 4 stars; one submission).

Conditions:
Adams-Oliver syndrome 2 (AOS2). Identifiers: Orphanet 974, MedGen C3280182, MONDO:0013635, OMIM 614219.

Submission:

Juno Genomics, Hangzhou Juno Genomics, Inc
Classification: Likely pathogenic for Adams-Oliver syndrome 2. Review status: criteria provided, single submitter. Criteria: ACMG Guidelines, 2015. Collection method: clinical testing. Allele origin: germline. Affected: yes.
Comment: Absent from controls (or at extremely low frequency if recessive) in Genome Aggregation Database, Exome Sequencing Project, 1000 Genomes Project, or Exome Aggregation Consortium.;Null variant in a gene where loss of function (LOF) is a known mechanism of disease.